The following is an entry in ClinVar:

NM_030632.3(ASXL3):c.1510dup (p.Met504fs)

Gene: ASXL3 (ASXL transcriptional regulator 3; plus strand). Cytogenetic location: 18q12.1.
Variant type: Duplication.
Coding change: c.1510dup on transcript NM_030632.3 (MANE Select); coding-DNA position 1510, one base duplicated (A; older notation c.1510dupA).
Protein change: p.Met504fs; shifts the reading frame from methionine 504.
Molecular consequence: frameshift variant.
Genome position (GRCh38, 1-based): chr18:33,738,914, A duplicated. VCF-style (leftmost placement, unchanged base first): chr18-33738913-T-TA. GRCh37 (hg19) VCF-style: chr18-31318877-T-TA.
Other names: short protein forms M504fs.
Identifiers: ClinVar variation 4855204 (VCV004855204.1).

ClinVar aggregate classification (germline): Likely pathogenic (1 of 4 stars; one submission).

Conditions:
Bainbridge-Ropers syndrome. Also called: Severe feeding difficulties-failure to thrive-microcephaly due to ASXL3 deficiency syndrome. Identifiers: Orphanet 352577, MedGen C4750837, MONDO:0014205, OMIM 615485.

Submission:

3billion
Classification: Likely pathogenic for Bainbridge-Ropers syndrome. Last evaluated: 2026-01-06. Review status: criteria provided, single submitter. Criteria: ACMG Guidelines, 2015. Collection method: clinical testing. Allele origin: germline. Affected: yes.
Comment: The variant is not observed in the gnomAD v4.1.0 dataset. Predicted Consequence/Location: Frameshift: predicted to result in a loss or disruption of normal protein function through nonsense-mediated decay (NMD) or protein truncation. Multiple pathogenic variants are reported downstream of the variant. Therefore, this variant is classified as Likely pathogenic according to the recommendation of ACMG/AMP guideline.